The following is an entry in ClinVar:

NM_000264.5(PTCH1):c.1068-2A>C

Gene: PTCH1 (patched 1; minus strand). Cytogenetic location: 9q22.32.
Variant type: single nucleotide variant.
Coding change: c.1068-2A>C on transcript NM_000264.5 (MANE Select); the canonical splice acceptor site of the intron before coding-DNA position 1068, A replaced by C.
Molecular consequence: splice acceptor variant.
Genome position (GRCh38, 1-based): chr9:95,479,149, T>G on the plus strand (A>C on the coding strand, the complement: PTCH1 is on the minus strand). VCF-style: chr9-95479149-T-G. GRCh37 (hg19) VCF-style: chr9-98241431-T-G.
Other names: c.1065-2A>C (NM_001083603.3); c.870-2A>C (NM_001083602.3); c.1068-2A>C (NM_001354918.2); c.615-2A>C (NM_001083605.3, NM_001083604.3, NM_001083606.3 and 1 more transcripts).
Identifiers: ClinVar variation 2136794 (VCV002136794.4), dbSNP rs1060502271, ClinGen allele CA374119548.
Genomic context (GRCh38, chr9:95,479,149, plus strand): 5'-AGTGCTCGTACATTTGCTTGGGAGTCATTAACTGGAACATGGTCTGCAGGGCATGGGCGC[T>G]GCAGCACAGTCCAAGGGAAGGCACATCATCAGTATTCCCAGGAAGCAGTTTCCACTGCCT-3'

ClinVar aggregate classification (germline): Pathogenic (1 of 4 stars; one submission).

Conditions:
Gorlin syndrome. Also called: Basal cell nevus syndrome; Nevoid Basal Cell Carcinoma Syndrome. Identifiers: Orphanet 377, MedGen C0004779, MONDO:0007187.

Submission:

Labcorp Genetics (formerly Invitae), Labcorp
Classification: Pathogenic for Gorlin syndrome. Last evaluated: 2022-09-02. Review status: criteria provided, single submitter. Criteria: Invitae Variant Classification Sherloc (09022015). Collection method: clinical testing. Allele origin: germline.
Comment: This variant is not present in population databases (gnomAD no frequency). This sequence change affects an acceptor splice site in intron 7 of the PTCH1 gene. It is expected to disrupt RNA splicing. Variants that disrupt the donor or acceptor splice site typically lead to a loss of protein function (PMID: 16199547), and loss-of-function variants in PTCH1 are known to be pathogenic (PMID: 16301862, 16419085). For these reasons, this variant has been classified as Pathogenic. Algorithms developed to predict the effect of sequence changes on RNA splicing suggest that this variant may disrupt the consensus splice site. Disruption of this splice site has been observed in individuals with basal cell nevus syndrome (PMID: 8981943, 30754660; Invitae).

Literature cited by the submitters: PubMed 16199547; PubMed 16301862; PubMed 16419085; PubMed 8981943; PubMed 30754660.